The following is an entry in ClinVar:

NM_004859.4(CLTC):c.3800G>A (p.Arg1267His)

Gene: CLTC (clathrin heavy chain; plus strand). Cytogenetic location: 17q23.1.
Variant type: single nucleotide variant.
Coding change: c.3800G>A on transcript NM_004859.4 (MANE Select); coding-DNA position 3800, G replaced by A.
Protein change: p.Arg1267His; replaces arginine 1267 with histidine.
Molecular consequence: missense variant.
Genome position (GRCh38, 1-based): chr17:59,682,941, G>A. VCF-style: chr17-59682941-G-A. GRCh37 (hg19) VCF-style: chr17-57760302-G-A.
Other names: c.3812G>A, p.Arg1271His (NM_001288653.2); short protein forms R1271H, R1267H.
Identifiers: ClinVar variation 3697097 (VCV003697097.2).

ClinVar aggregate classification (germline): Uncertain significance (1 of 4 stars; one submission).

gnomAD v4.1: 1 of 1,614,156 alleles (0.000062%); highest among the groups gnomAD compares: Non-Finnish European, 0.000085%; no homozygotes.

Submission:

Labcorp Genetics (formerly Invitae), Labcorp
Classification: Uncertain significance. Last evaluated: 2024-03-16. Review status: criteria provided, single submitter. Criteria: Invitae Variant Classification Sherloc (09022015). Collection method: clinical testing. Allele origin: germline.
Comment: This sequence change replaces arginine, which is basic and polar, with histidine, which is basic and polar, at codon 1271 of the CLTC protein (p.Arg1271His). This variant is not present in population databases (gnomAD no frequency). This variant has not been reported in the literature in individuals affected with CLTC-related conditions. Advanced modeling of protein sequence and biophysical properties (such as structural, functional, and spatial information, amino acid conservation, physicochemical variation, residue mobility, and thermodynamic stability) performed at Invitae indicates that this missense variant is not expected to disrupt CLTC protein function with a negative predictive value of 80%. In summary, the available evidence is currently insufficient to determine the role of this variant in disease. Therefore, it has been classified as a Variant of Uncertain Significance.